The following is an entry in ClinVar:

ClinVar aggregate classification (germline): Uncertain significance. Review status: criteria provided, multiple submitters, no conflicts (2 of 4 stars). 3 submissions from 3 submitters: Uncertain significance (3). Last evaluated 2025-05-11.

Conditions:
Hereditary cancer-predisposing syndrome. Also called: Neoplastic Syndromes, Hereditary; Hereditary Cancer Syndrome; Tumor predisposition; Hereditary neoplastic syndrome. Identifiers: Orphanet 140162, MedGen C0027672, MeSH D009386, MONDO:0015356.
Ataxia-telangiectasia syndrome (AT). Also called: LOUIS-BAR SYNDROME; Cerebello-oculocutaneous telangiectasia; Immunodeficiency with ataxia telangiectasia; Ataxia-telangiectasia, complementation group D; AT, COMPLEMENTATION GROUP C; Ataxia-telangiectasia, complementation group E. Identifiers: Orphanet 100, MedGen C0004135, MONDO:0008840, OMIM 208900.

Allele frequency attached by ClinVar (database versions not stated): ExAC 0.00001.
gnomAD v4.1: 2 of 1,614,126 alleles (0.00012%); highest among the groups gnomAD compares: South Asian, 0.0022%; no homozygotes.

Submissions (3):

Ambry Genetics
Classification: Uncertain significance for Hereditary cancer-predisposing syndrome. Last evaluated: 2025-05-11. Review status: criteria provided, single submitter. Criteria: Ambry Variant Classification Scheme 2023. Collection method: clinical testing. Allele origin: germline.
Comment: The p.F2276C variant (also known as c.6827T>G), located in coding exon 46 of the ATM gene, results from a T to G substitution at nucleotide position 6827. The phenylalanine at codon 2276 is replaced by cysteine, an amino acid with highly dissimilar properties. This amino acid position is conserved. In addition, the in silico prediction for this alteration is inconclusive. Since supporting evidence is limited at this time, the clinical significance of this alteration remains unclear.

Color Diagnostics, LLC DBA Color Health
Classification: Uncertain significance for Hereditary cancer-predisposing syndrome. Last evaluated: 2023-12-05. Review status: criteria provided, single submitter. Criteria: ACMG Guidelines, 2015. Collection method: clinical testing. Allele origin: germline.
Comment: This missense variant replaces phenylalanine with cysteine at codon 2276 of the ATM protein. Computational prediction is inconclusive regarding the impact of this variant on protein structure and function (internally defined REVEL score threshold 0.5 < inconclusive < 0.7, PMID: 27666373). To our knowledge, functional studies have not been reported for this variant. This variant has not been reported in individuals affected with ATM-related disorders in the literature. This variant has been identified in 1/251160 chromosomes in the general population by the Genome Aggregation Database (gnomAD). The available evidence is insufficient to determine the role of this variant in disease conclusively. Therefore, this variant is classified as a Variant of Uncertain Significance.

Labcorp Genetics (formerly Invitae), Labcorp
Classification: Uncertain significance for Ataxia-telangiectasia syndrome. Last evaluated: 2021-08-20. Review status: criteria provided, single submitter. Criteria: Invitae Variant Classification Sherloc (09022015). Collection method: clinical testing. Allele origin: germline.
Comment: This sequence change replaces phenylalanine with cysteine at codon 2276 of the ATM protein (p.Phe2276Cys). The phenylalanine residue is moderately conserved and there is a large physicochemical difference between phenylalanine and cysteine. This variant is present in population databases (rs753389616, ExAC 0.006%). This variant has not been reported in the literature in individuals affected with ATM-related conditions. ClinVar contains an entry for this variant (Variation ID: 489581). Algorithms developed to predict the effect of missense changes on protein structure and function are either unavailable or do not agree on the potential impact of this missense change (SIFT: "Tolerated"; PolyPhen-2: "Possibly Damaging"; Align-GVGD: "Class C25"). In summary, the available evidence is currently insufficient to determine the role of this variant in disease. Therefore, it has been classified as a Variant of Uncertain Significance.

NM_000051.4(ATM):c.6827T>G (p.Phe2276Cys)

Genes: ATM (ATM serine/threonine kinase; plus strand), C11orf65 (chromosome 11 open reading frame 65; minus strand). Cytogenetic location: 11q22.3.
Variant type: single nucleotide variant.
Coding change: c.6827T>G on transcript NM_000051.4 (MANE Select); coding-DNA position 6827, T replaced by G.
Protein change: p.Phe2276Cys; replaces phenylalanine 2276 with cysteine.
Molecular consequence: missense variant. On other transcripts: intron variant (2).
Genome position (GRCh38, 1-based): chr11:108,326,077, T>G. VCF-style: chr11-108326077-T-G. GRCh37 (hg19) VCF-style: chr11-108196804-T-G.
Other names: c.6827T>G, p.Phe2276Cys (NM_001351834.2); c.641-17006A>C (NM_001330368.2); c.*38+9143A>C (NM_001351110.2); short protein forms F2276C.
Identifiers: ClinVar variation 489581 (VCV000489581.15), dbSNP rs753389616, ClinGen allele CA6266021.